The following is an entry in ClinVar:

NM_002439.5(MSH3):c.1911G>A (p.Glu637=)

Gene: MSH3 (mutS homolog 3; plus strand). Cytogenetic location: 5q14.1.
Variant type: single nucleotide variant.
Coding change: c.1911G>A on transcript NM_002439.5 (MANE Select); coding-DNA position 1911, G replaced by A.
Protein change: p.Glu637=; no amino-acid change (glutamic acid 637 retained).
Molecular consequence: synonymous variant.
Genome position (GRCh38, 1-based): chr5:80,767,947, G>A. VCF-style: chr5-80767947-G-A. GRCh37 (hg19) VCF-style: chr5-80063766-G-A.
Other names: c.1911G>A (NM_002439.4).
Identifiers: ClinVar variation 1641934 (VCV001641934.12), dbSNP rs1005120343, ClinGen allele CA121319867.

ClinVar aggregate classification (germline): Conflicting classifications of pathogenicity. Review status: criteria provided, conflicting classifications (1 of 4 stars). 4 submissions from 4 submitters: Uncertain significance (1); Likely benign (3). Last evaluated 2026-01-24.

Conditions:
Hereditary cancer-predisposing syndrome. Also called: Hereditary Cancer Syndrome; Neoplastic Syndromes, Hereditary; Tumor predisposition; Hereditary neoplastic syndrome. Identifiers: Orphanet 140162, MedGen C0027672, MeSH D009386, MONDO:0015356.

Allele frequency attached by ClinVar (database versions not stated): gnomAD exomes below 0.00001.

Submissions (4):

Labcorp Genetics (formerly Invitae), Labcorp
Classification: Likely benign. Last evaluated: 2026-01-24. Review status: criteria provided, single submitter. Criteria: Invitae Variant Classification Sherloc (09022015). Collection method: clinical testing. Allele origin: germline.

Center for Genomic Medicine, Rigshospitalet, Copenhagen University Hospital
Classification: Likely benign. Last evaluated: 2025-12-29. Review status: criteria provided, single submitter. Criteria: ACMG Guidelines, 2015. Collection method: clinical testing. Allele origin: germline.

Quest Diagnostics Nichols Institute San Juan Capistrano
Classification: Uncertain significance. Last evaluated: 2023-03-10. Review status: criteria provided, single submitter. Criteria: Quest Diagnostics criteria. Collection method: clinical testing. Allele origin: unknown.
Comment: To the best of our knowledge, the variant has not been reported in individuals with MSH3-related conditions in the published literature. It also has not been reported in large, multi-ethnic general populations. Analysis of this variant using software algorithms for the prediction of the effect of nucleotide changes on splicing yielded predictions that this variant does not affect MSH3 mRNA splicing . Based on the available information, we are unable to determine the clinical significance of this variant.

Ambry Genetics
Classification: Likely benign for Hereditary cancer-predisposing syndrome. Last evaluated: 2020-02-28. Review status: criteria provided, single submitter. Criteria: Ambry Variant Classification Scheme 2023. Collection method: clinical testing. Allele origin: germline.